The following is an entry in ClinVar:

ClinVar aggregate classification (germline): Uncertain significance (1 of 4 stars; one submission).

Submission:

Labcorp Genetics (formerly Invitae), Labcorp
Classification: Uncertain significance. Last evaluated: 2025-12-09. Review status: criteria provided, single submitter. Criteria: Invitae Variant Classification Sherloc (09022015). Collection method: clinical testing. Allele origin: germline.
Comment: This sequence change replaces leucine, which is neutral and non-polar, with serine, which is neutral and polar, at codon 1413 of the ASXL1 protein (p.Leu1413Ser). This variant is not present in population databases (gnomAD no frequency). This variant has not been reported in the literature in individuals affected with ASXL1-related conditions. An algorithm developed to predict the effect of missense changes on protein structure and function (PolyPhen-2) suggests that this variant is likely to be disruptive. In summary, the available evidence is currently insufficient to determine the role of this variant in disease. Therefore, it has been classified as a Variant of Uncertain Significance.

NM_015338.6(ASXL1):c.4238T>C (p.Leu1413Ser)

Gene: ASXL1 (ASXL transcriptional regulator 1; plus strand). Cytogenetic location: 20q11.21.
Variant type: single nucleotide variant.
Coding change: c.4238T>C on transcript NM_015338.6 (MANE Select); coding-DNA position 4238, T replaced by C.
Protein change: p.Leu1413Ser; replaces leucine 1413 with serine.
Molecular consequence: missense variant.
Genome position (GRCh38, 1-based): chr20:32,436,950, T>C. VCF-style: chr20-32436950-T-C. GRCh37 (hg19) VCF-style: chr20-31024753-T-C.
Other names: c.4055T>C, p.Leu1352Ser (NM_001363734.1); short protein forms L1352S, L1413S.
Identifiers: ClinVar variation 4713065 (VCV004713065.1).
Genomic context (GRCh38, chr20:32,436,950, plus strand): 5'-TGGAACTGGTGGGTCACTTGGAAGGGATGCCCTTTGTCATGGACTTGCCCTTCTGGAAAT[T>C]ACCCCGAGAGCCAGGGAAGGGGCTCAGTGAGCCTCTGGAGCCTTCTTCTCTCCCCTCCCA-3'
Protein context (NP_056153.2, residues 1403-1423): PFVMDLPFWK[Leu1413Ser]PREPGKGLSE